The following is an entry in ClinVar:

ClinVar aggregate classification (germline): Uncertain significance (0 of 4 stars; one submission).

Allele frequency attached by ClinVar (database versions not stated): gnomAD exomes below 0.00001; ExAC 0.00001.
gnomAD v4.1: 2 of 1,614,208 alleles (0.00012%); highest among the groups gnomAD compares: Non-Finnish European, 0.00017%; no homozygotes.

Submission:

Department of Pathology and Laboratory Medicine, Sinai Health System
Classification: Uncertain significance. Review status: no assertion criteria provided. Collection method: clinical testing. Allele origin: unknown. Affected: yes. Study: The Canadian Open Genetics Repository (COGR).
Comment: The DNMT1 p.Arg568Gln variant was not identified in the literature nor was it identified in ClinVar or LOVD 3.0. The variant was identified in dbSNP (ID: rs748821501) and in control databases in 1 of 251404 chromosomes at a frequency of 0.000004 (Genome Aggregation Database Feb 27, 2017). The variant was observed in the following population: European (non-Finnish) in 1 of 113710 chromosomes (freq: 0.000009); it was not observed in the African, Latino, Ashkenazi Jewish, East Asian, European (Finnish), Other and South Asian populations. The variant occurs outside of the splicing consensus sequence and in silico or computational prediction software programs (SpliceSiteFinder, MaxEntScan, NNSPLICE, GeneSplicer) do not predict a difference in splicing. The p.Arg568 residue is conserved in mammals and computational analyses (PolyPhen-2, SIFT, AlignGVGD, BLOSUM, MutationTaster) provide inconsistent predictions regarding the impact to the protein; this information is not very predictive of pathogenicity. However, this variant is located within the targeting sequence (TS) domain, known to be required for DNMT1 enzymatic function, in which variants have been reported to cause hereditary sensory and autonomic neuropathies with dementia and hearing loss (HSANIE) and autosomal dominant cerebellar ataxia deafness and narcolepsy (ADCA-DN) (Smets_2017_PMID:28334952; Winkelmann_2015_PMID:22328086;Fellinger_2009_PMID:19173286). In summary, based on the above information the clinical significance of this variant cannot be determined with certainty at this time. This variant is classified as a variant of uncertain significance.

NM_001130823.3(DNMT1):c.1703G>A (p.Arg568Gln)

Gene: DNMT1 (DNA methyltransferase 1; minus strand). Cytogenetic location: 19p13.2.
Variant type: single nucleotide variant.
Coding change: c.1703G>A on transcript NM_001130823.3 (MANE Select); coding-DNA position 1703, G replaced by A.
Protein change: p.Arg568Gln; replaces arginine 568 with glutamine.
Molecular consequence: missense variant.
Genome position (GRCh38, 1-based): chr19:10,154,715, C>T on the plus strand (G>A on the coding strand, the complement: DNMT1 is on the minus strand). VCF-style: chr19-10154715-C-T. GRCh37 (hg19) VCF-style: chr19-10265391-C-T.
Other names: c.1655G>A, p.Arg552Gln (NM_001318730.2, NM_001379.4); c.1340G>A, p.Arg447Gln (NM_001318731.2); short protein forms R447Q, R552Q, R568Q.
Identifiers: ClinVar variation 1049030 (VCV001049030.1), dbSNP rs748821501, ClinGen allele CA9188240.
Genomic context (GRCh38, chr19:10,154,715, plus strand): 5'-TCATCACTGTCCCCGGCCTCGTCATAACTCTCCACCTGCTCCACCACAAACTGCGCGTGT[C>T]GCAGGAGGGAGTCCTCTGTGAAGCGGTTCAAGTTGAGGCCAGAAGGAGGAACCGTGGTCT-3'
Protein context (NP_001124295.1, residues 558-578): LNRFTEDSLL[Arg568Gln]HAQFVVEQVE